The following is an entry in ClinVar:

NM_000321.3(RB1):c.406A>G (p.Lys136Glu)

Gene: RB1 (RB transcriptional corepressor 1; plus strand). Cytogenetic location: 13q14.2.
Variant type: single nucleotide variant.
Coding change: c.406A>G on transcript NM_000321.3 (MANE Select); coding-DNA position 406, A replaced by G.
Protein change: p.Lys136Glu; replaces lysine 136 with glutamic acid.
Molecular consequence: missense variant.
Genome position (GRCh38, 1-based): chr13:48,345,105, A>G. VCF-style: chr13-48345105-A-G. GRCh37 (hg19) VCF-style: chr13-48919241-A-G.
Other names: c.406A>G, p.Lys136Glu (NM_001407165.1, NM_001407166.1); short protein forms K136E.
Identifiers: ClinVar variation 1737526 (VCV001737526.3), dbSNP rs2138087276, ClinGen allele CA388252647.

ClinVar aggregate classification (germline): Uncertain significance (1 of 4 stars; one submission).

Conditions:
Hereditary cancer-predisposing syndrome. Also called: Neoplastic Syndromes, Hereditary; Tumor predisposition; Hereditary Cancer Syndrome; Hereditary neoplastic syndrome. Identifiers: Orphanet 140162, MedGen C0027672, MeSH D009386, MONDO:0015356.

Submission:

Ambry Genetics
Classification: Uncertain significance for Hereditary cancer-predisposing syndrome. Last evaluated: 2024-12-08. Review status: criteria provided, single submitter. Criteria: Ambry Variant Classification Scheme 2023. Collection method: clinical testing. Allele origin: germline.
Comment: The p.K136E variant (also known as c.406A>G), located in coding exon 4 of the RB1 gene, results from an A to G substitution at nucleotide position 406. The lysine at codon 136 is replaced by glutamic acid, an amino acid with similar properties. This amino acid position is conserved. In addition, the in silico prediction for this alteration is inconclusive. Since supporting evidence is limited at this time, the clinical significance of this alteration remains unclear.